The following is an entry in ClinVar:

NM_003664.5(AP3B1):c.65A>G (p.Gln22Arg)

Gene: AP3B1 (adaptor related protein complex 3 subunit beta 1; minus strand). Cytogenetic location: 5q14.1.
Variant type: single nucleotide variant.
Coding change: c.65A>G on transcript NM_003664.5 (MANE Select); coding-DNA position 65, A replaced by G.
Protein change: p.Gln22Arg; replaces glutamine 22 with arginine.
Molecular consequence: missense variant. On other transcripts: 5 prime UTR variant (1).
Genome position (GRCh38, 1-based): chr5:78,294,515, T>C on the plus strand (A>G on the coding strand, the complement: AP3B1 is on the minus strand). VCF-style: chr5-78294515-T-C. GRCh37 (hg19) VCF-style: chr5-77590339-T-C.
Other names: p.Gln22Arg; c.-95A>G (NM_001271769.2); c.65A>G, p.Gln22Arg (NM_001410752.1); short protein forms Q22R.
Identifiers: ClinVar variation 3300584 (VCV003300584.2).

ClinVar aggregate classification (germline): Uncertain significance. Review status: criteria provided, multiple submitters, no conflicts (2 of 4 stars). 2 submissions from 2 submitters: Uncertain significance (2). Last evaluated 2025-12-12.

Conditions:
Inborn genetic diseases. Identifiers: MedGen C0950123, MeSH D030342.

gnomAD v4.1: 3 of 1,614,244 alleles (0.00019%); highest among the groups gnomAD compares: East Asian, 0.0022%; no homozygotes.

Submissions (2):

Mayo Clinic Laboratories, Mayo Clinic
Classification: Uncertain significance. Last evaluated: 2025-12-12. Review status: criteria provided, single submitter. Criteria: ACMG Guidelines, 2015. Collection method: clinical testing. Allele origin: germline. Observed: 1 variant allele.
Comment: BP4_moderate, PM2_supporting

Ambry Genetics
Classification: Uncertain significance for Inborn genetic diseases. Last evaluated: 2024-05-02. Review status: criteria provided, single submitter. Criteria: Ambry Variant Classification Scheme 2023. Collection method: clinical testing. Allele origin: germline.